The following is an entry in ClinVar:

ClinVar aggregate classification (germline): Uncertain significance (1 of 4 stars; one submission).

Conditions:
Monosomy 7 myelodysplasia and leukemia syndrome 2. Identifiers: MedGen C5436668, MONDO:0030801, OMIM 619041.

gnomAD v4.1: 1 of 1,613,644 alleles (0.000062%); highest among the groups gnomAD compares: Non-Finnish European, 0.000085%; no homozygotes.

Submission:

St. Jude Molecular Pathology, St. Jude Children's Research Hospital
Classification: Uncertain significance for Monosomy 7 myelodysplasia and leukemia syndrome 2. Last evaluated: 2026-10-01. Review status: criteria provided, single submitter. Criteria: St. Jude Assertion Criteria 2020. Collection method: clinical testing. Allele origin: germline.
Comment: The SAMD9 c.2813G>A p.(Cys938Tyr) missense change is absent in gnomAD v2.1.1. The in silico tool REVEL is inconclusive about a pathogenic or benign effect of this variant on protein function, and to our knowledge functional studies have not been performed. To our knowledge, this variant has not been reported in individuals with SAMD9-associated conditions. In summary, the evidence currently available is insufficient to determine the clinical significance of this variant. It has therefore been classified as of uncertain signific ance (VUS-Low).

NM_017654.4(SAMD9):c.2813G>A (p.Cys938Tyr)

Gene: SAMD9 (sterile alpha motif domain containing 9; minus strand). Cytogenetic location: 7q21.2.
Variant type: single nucleotide variant.
Coding change: c.2813G>A on transcript NM_017654.4 (MANE Select); coding-DNA position 2813, G replaced by A.
Protein change: p.Cys938Tyr; replaces cysteine 938 with tyrosine.
Molecular consequence: missense variant.
Genome position (GRCh38, 1-based): chr7:93,103,285, C>T on the plus strand (G>A on the coding strand, the complement: SAMD9 is on the minus strand). VCF-style: chr7-93103285-C-T. GRCh37 (hg19) VCF-style: chr7-92732598-C-T.
Other names: c.2813G>A, p.Cys938Tyr (NM_001193307.2); short protein forms C938Y.
Identifiers: ClinVar variation 5038373 (VCV005038373.1).